The following is an entry in ClinVar:

ClinVar aggregate classification (germline): Uncertain significance. Review status: criteria provided, multiple submitters, no conflicts (2 of 4 stars). 3 submissions from 3 submitters: Uncertain significance (3). Last evaluated 2026-01-14.

Conditions:
Hereditary cancer-predisposing syndrome. Also called: Neoplastic Syndromes, Hereditary; Tumor predisposition; Hereditary Cancer Syndrome; Hereditary neoplastic syndrome. Identifiers: Orphanet 140162, MedGen C0027672, MeSH D009386, MONDO:0015356.
Familial cancer of breast. Also called: BREAST CANCER, FAMILIAL; hereditary breast carcinoma; Hereditary breast cancer. Identifiers: Orphanet 227535, MedGen C0346153, MONDO:0016419, OMIM 114480. Disease mechanism: loss of function.

Allele frequency attached by ClinVar (database versions not stated): TOPMed 0.00001.

Submissions (3):

Labcorp Genetics (formerly Invitae), Labcorp
Classification: Uncertain significance for Familial cancer of breast. Last evaluated: 2026-01-14. Review status: criteria provided, single submitter. Criteria: Invitae Variant Classification Sherloc (09022015). Collection method: clinical testing. Allele origin: germline.
Comment: This sequence change replaces aspartic acid, which is acidic and polar, with glutamic acid, which is acidic and polar, at codon 218 of the CHEK2 protein (p.Asp218Glu). This variant is not present in population databases (gnomAD no frequency). This variant has not been reported in the literature in individuals affected with CHEK2-related conditions. ClinVar contains an entry for this variant (Variation ID: 921736). An algorithm developed to predict the effect of missense changes on protein structure and function outputs the following: PolyPhen-2: "Benign". The glutamic acid amino acid residue is found in multiple mammalian species, which suggests that this missense change does not adversely affect protein function. In summary, the available evidence is currently insufficient to determine the role of this variant in disease. Therefore, it has been classified as a Variant of Uncertain Significance.

Ambry Genetics
Classification: Uncertain significance for Hereditary cancer-predisposing syndrome. Last evaluated: 2024-03-07. Review status: criteria provided, single submitter. Criteria: Ambry Variant Classification Scheme 2023. Collection method: clinical testing. Allele origin: germline.
Comment: The p.D218E variant (also known as c.654T>G), located in coding exon 4 of the CHEK2 gene, results from a T to G substitution at nucleotide position 654. The aspartic acid at codon 218 is replaced by glutamic acid, an amino acid with highly similar properties. This amino acid position is not well conserved in available vertebrate species, and glutamic acid is the reference amino acid in other vertebrate species. In addition, this alteration is predicted to be tolerated by in silico analysis. Since supporting evidence is limited at this time, the clinical significance of this alteration remains unclear.

Color Diagnostics, LLC DBA Color Health
Classification: Uncertain significance for Hereditary cancer-predisposing syndrome. Last evaluated: 2023-12-05. Review status: criteria provided, single submitter. Criteria: ACMG Guidelines, 2015. Collection method: clinical testing. Allele origin: germline.
Comment: This missense variant replaces aspartic acid with glutamic acid at codon 218 of the CHEK2 protein. Computational prediction tools and conservation analyses suggest that this variant may not impact the protein function. Computational splicing tools suggest that this variant may not impact RNA splicing. To our knowledge, functional assays have not been performed for this variant nor has this variant been reported in individuals affected with hereditary cancer in the literature. This variant has not been identified in the general population by the Genome Aggregation Database (gnomAD). Available evidence is insufficient to determine the role of this variant in disease conclusively. Therefore, this variant is classified as a Variant of Uncertain Significance.

NM_007194.4(CHEK2):c.654T>G (p.Asp218Glu)

Gene: CHEK2 (checkpoint kinase 2; minus strand). Cytogenetic location: 22q12.1.
Variant type: single nucleotide variant.
Coding change: c.654T>G on transcript NM_007194.4 (MANE Select); coding-DNA position 654, T replaced by G.
Protein change: p.Asp218Glu; replaces aspartic acid 218 with glutamic acid.
Molecular consequence: missense variant. On other transcripts: 5 prime UTR variant (2), intron variant (1).
Genome position (GRCh38, 1-based): chr22:28,719,424, A>C on the plus strand (T>G on the coding strand, the complement: CHEK2 is on the minus strand). VCF-style: chr22-28719424-A-C. GRCh37 (hg19) VCF-style: chr22-29115412-A-C.
Other names: c.783T>G, p.Asp261Glu (NM_001005735.3, NM_001438294.1); c.-10T>G (NM_001257387.3, NM_001437942.1); c.747T>G, p.Asp249Glu (NM_001438293.1, NM_001438295.1); c.654T>G, p.Asp218Glu (NM_145862.3); c.482+5462T>G (NM_001349956.3); short protein forms D261E, D218E, D249E.
Identifiers: ClinVar variation 921736 (VCV000921736.14), dbSNP rs907621837, ClinGen allele CA323028444.